The following is an entry in ClinVar:

NM_006267.5(RANBP2):c.5551A>G (p.Lys1851Glu)

Gene: RANBP2 (RAN binding protein 2; plus strand). Cytogenetic location: 2q13.
Variant type: single nucleotide variant.
Coding change: c.5551A>G on transcript NM_006267.5 (MANE Select); coding-DNA position 5551, A replaced by G.
Protein change: p.Lys1851Glu; replaces lysine 1851 with glutamic acid.
Molecular consequence: missense variant.
Genome position (GRCh38, 1-based): chr2:108,766,090, A>G. VCF-style: chr2-108766090-A-G. GRCh37 (hg19) VCF-style: chr2-109382546-A-G.
Other names: c.5551A>G, p.Lys1851Glu (NM_001415871.1, NM_001415873.1); c.5548A>G, p.Lys1850Glu (NM_001415872.1); short protein forms K1851E, K1850E.
Identifiers: ClinVar variation 4753406 (VCV004753406.1).
Genomic context (GRCh38, chr2:108,766,090, plus strand): 5'-GACTCTTCTGGAAGTCAGGTGGGAACAGGATTTAAAAGTAATTTCTCAGAAAAAGCTTCT[A>G]AGTTTGGCAATACAGAGCAAGGATTCAAATTTGGGCATGTGGATCAAGAAAATTCACCTT-3'
Protein context (NP_006258.3, residues 1841-1861): FKSNFSEKAS[Lys1851Glu]FGNTEQGFKF

ClinVar aggregate classification (germline): Uncertain significance (1 of 4 stars; one submission).

Conditions:
Familial acute necrotizing encephalopathy (IIAE3). Also called: ENCEPHALOPATHY, ACUTE, INFECTION-INDUCED, SUSCEPTIBILITY TO, 3; Susceptibility to Acute Necrotizing Encephalopathy 1. Identifiers: Orphanet 88619, MedGen C2675556, MONDO:0011953, OMIM 608033.

gnomAD v4.1: 6 of 1,614,054 alleles (0.00037%); highest among the groups gnomAD compares: African/African-American, 0.0067%; no homozygotes.

Submission:

Labcorp Genetics (formerly Invitae), Labcorp
Classification: Uncertain significance for Familial acute necrotizing encephalopathy. Last evaluated: 2026-01-04. Review status: criteria provided, single submitter. Criteria: Invitae Variant Classification Sherloc (09022015). Collection method: clinical testing. Allele origin: germline.
Comment: This sequence change replaces lysine, which is basic and polar, with glutamic acid, which is acidic and polar, at codon 1851 of the RANBP2 protein (p.Lys1851Glu). This variant is present in population databases (rs756543307, gnomAD 0.008%). This variant has not been reported in the literature in individuals affected with RANBP2-related conditions. An algorithm developed to predict the effect of missense changes on protein structure and function (PolyPhen-2) suggests that this variant is likely to be tolerated. In summary, the available evidence is currently insufficient to determine the role of this variant in disease. Therefore, it has been classified as a Variant of Uncertain Significance.